The following is an entry in ClinVar:

NM_005188.4(CBL):c.2425C>T (p.Pro809Ser)

Gene: CBL (Cbl proto-oncogene; plus strand). Cytogenetic location: 11q23.3.
Variant type: single nucleotide variant.
Coding change: c.2425C>T on transcript NM_005188.4 (MANE Select); coding-DNA position 2425, C replaced by T.
Protein change: p.Pro809Ser; replaces proline 809 with serine.
Molecular consequence: missense variant.
Genome position (GRCh38, 1-based): chr11:119,298,531, C>T. VCF-style: chr11-119298531-C-T. GRCh37 (hg19) VCF-style: chr11-119169241-C-T.
Other names: short protein forms P809S.
Identifiers: ClinVar variation 4841292 (VCV004841292.1).
Genomic context (GRCh38, chr11:119,298,531, plus strand): 5'-ACTCTCTCAGATATCTCTAATGCCAGCTCCTCCTTTGGCTGGTTGTCTCTGGATGGTGAT[C>T]CTACAACAAGTGAGTCTCCAGACTACTTTGGGTTTGTCCTGAATGGCAGTGTGGCCTGTA-3'
Protein context (NP_005179.2, residues 799-819): SFGWLSLDGD[Pro809Ser]TTNVTEGSQV

ClinVar aggregate classification (germline): Uncertain significance (1 of 4 stars; one submission).

Conditions:
Cardiovascular phenotype. Identifiers: MedGen CN230736.

Submission:

Ambry Genetics
Classification: Uncertain significance for Cardiovascular phenotype. Last evaluated: 2025-12-21. Review status: criteria provided, single submitter. Criteria: Ambry Variant Classification Scheme 2023. Collection method: clinical testing. Allele origin: germline.
Comment: The p.P809S variant (also known as c.2425C>T), located in coding exon 15 of the CBL gene, results from a C to T substitution at nucleotide position 2425. The proline at codon 809 is replaced by serine, an amino acid with similar properties. This amino acid position is conserved. In addition, this alteration is predicted to be tolerated by in silico analysis. Based on the available evidence, the clinical significance of this variant remains unclear.